The following is an entry in ClinVar:

NM_000044.6(AR):c.2056G>C (p.Val686Leu)

Gene: AR (androgen receptor; plus strand). Cytogenetic location: Xq12.
Variant type: single nucleotide variant.
Coding change: c.2056G>C on transcript NM_000044.6 (MANE Select); coding-DNA position 2056, G replaced by C.
Protein change: p.Val686Leu; replaces valine 686 with leucine.
Molecular consequence: missense variant.
Genome position (GRCh38, 1-based): chrX:67,711,572, G>C. VCF-style: chrX-67711572-G-C. GRCh37 (hg19) VCF-style: chrX-66931414-G-C.
Other names: c.460G>C, p.Val154Leu (NM_001011645.3); short protein forms V154L, V686L.
Identifiers: ClinVar variation 1699192 (VCV001699192.3), dbSNP rs2147524833, ClinGen allele CA413423315.

ClinVar aggregate classification (germline): Likely pathogenic (1 of 4 stars; one submission).

Conditions:
Partial androgen insensitivity syndrome (PAIS). Also called: Gynecomastia, familial; Reifenstein syndrome, partial; Androgen resistance syndrome, partial; Type I familial incomplete male pseudohermaphroditism; Reifenstein syndrome; ANDROGEN INSENSITIVITY, PARTIAL, WITH OR WITHOUT BREAST CANCER. Identifiers: Orphanet 90797, MedGen C0268301, MONDO:0010720, OMIM 312300.

Submission:

Victorian Clinical Genetics Services, Murdoch Childrens Research Institute
Classification: Likely pathogenic for Partial androgen insensitivity syndrome. Last evaluated: 2022-02-02. Review status: criteria provided, single submitter. Criteria: ACMG Guidelines, 2015. Collection method: clinical testing. Allele origin: germline. Inheritance: X-linked recessive inheritance. Affected: yes.
Comment: Based on the classification scheme VCGS_Germline_v1.3.4, this variant is classified as Likely Pathogenic. Following criteria are met: 0102 - Loss of function is a known mechanism of disease in this gene and is associated with androgen insensitivity (MIM#300068) and partial androgen insensitivity (MIM#312300). (I) 0109 - This gene is associated with X-linked recessive disease. (I) 0200 - Variant is predicted to result in a missense amino acid change from valine to leucine. (I) 0253 - This variant is hemizygous. (I) 0301 - Variant is absent from gnomAD (both v2 and v3). (SP) 0502 - Missense variant with conflicting in silico predictions and uninformative conservation. (I) 0601 - Variant is located in the well-established functional ligand binding domain (NCBI, Uniprot). FRAP analysis suggested that the reduced long-term immobility is due to the absence of ligand binding domain (PMID: 15109605). (SP) 0704 - Another missense variant comparable to the one identified in this case has limited previous evidence for pathogenicity. p.(Val686Ala) has been reported in three 46XY patients with partial androgen insensitivity (MIM#312300) (PMID: 23808476, 30668521, 33750429). (SP) 0803 - This variant has limited previous evidence of pathogenicity in an unrelated individual. (SP) 0905 - No published segregation evidence has been identified for this variant. (I) 1007 - No published functional evidence has been identified for this variant. (I) 1102 - Strong phenotype match for this individual. (SP) 1208 - Inheritance information for this variant is not currently available in this individual. (I) Legend: (SP) - Supporting pathogenic, (I) - Information, (SB) - Supporting benign

Literature cited by the submitters: PubMed 15109605; PubMed 23808476; PubMed 28624954; PubMed 30668521; PubMed 33750429.